The following is an entry in ClinVar:

NM_152618.3(BBS12):c.1261C>T (p.Arg421Cys)

Gene: BBS12 (Bardet-Biedl syndrome 12; plus strand). Cytogenetic location: 4q27.
Variant type: single nucleotide variant.
Coding change: c.1261C>T on transcript NM_152618.3 (MANE Select); coding-DNA position 1261, C replaced by T.
Protein change: p.Arg421Cys; replaces arginine 421 with cysteine.
Molecular consequence: missense variant.
Genome position (GRCh38, 1-based): chr4:122,743,153, C>T. VCF-style: chr4-122743153-C-T. GRCh37 (hg19) VCF-style: chr4-123664308-C-T.
Other names: c.1261C>T (NM_152618.2); c.1261C>T, p.Arg421Cys (NM_001178007.2); short protein forms R421C.
Identifiers: ClinVar variation 1404396 (VCV001404396.5), dbSNP rs199596849, ClinGen allele CA3069410.

ClinVar aggregate classification (germline): Uncertain significance. Review status: criteria provided, multiple submitters, no conflicts (2 of 4 stars). 3 submissions from 3 submitters: Uncertain significance (2). 1 of the submissions does not count toward it. Last evaluated 2022-10-17.

Conditions:
BBS12-related disorder. Also called: BBS12-related condition.
Bardet-Biedl syndrome (BBS). Identifiers: Orphanet 110, MedGen C0752166, MONDO:0015229.
Bardet-Biedl syndrome 12 (BBS12). Identifiers: Orphanet 110, MedGen C1859570, MONDO:0014440, OMIM 615989.

gnomAD v4.1: 28 of 1,614,084 alleles (0.0017%); highest among the groups gnomAD compares: African/African-American, 0.0027%; no homozygotes.

Submissions (3):

Labcorp Genetics (formerly Invitae), Labcorp
Classification: Uncertain significance for Bardet-Biedl syndrome. Last evaluated: 2022-10-17. Review status: criteria provided, single submitter. Criteria: Invitae Variant Classification Sherloc (09022015). Collection method: clinical testing. Allele origin: germline.
Comment: This sequence change replaces arginine, which is basic and polar, with cysteine, which is neutral and slightly polar, at codon 421 of the BBS12 protein (p.Arg421Cys). This variant is present in population databases (rs199596849, gnomAD 0.007%). This variant has not been reported in the literature in individuals affected with BBS12-related conditions. ClinVar contains an entry for this variant (Variation ID: 1404396). Advanced modeling of protein sequence and biophysical properties (such as structural, functional, and spatial information, amino acid conservation, physicochemical variation, residue mobility, and thermodynamic stability) performed at Invitae indicates that this missense variant is not expected to disrupt BBS12 protein function. In summary, the available evidence is currently insufficient to determine the role of this variant in disease. Therefore, it has been classified as a Variant of Uncertain Significance.

Fulgent Genetics
Classification: Uncertain significance for Bardet-Biedl syndrome 12. Last evaluated: 2022-05-25. Review status: criteria provided, single submitter. Criteria: ACMG Guidelines, 2015. Collection method: clinical testing. Allele origin: unknown.

PreventionGenetics, part of Exact Sciences
Classification: Uncertain significance for BBS12-related condition. Last evaluated: 2023-12-21. Review status: no assertion criteria provided. Collection method: clinical testing. Allele origin: germline. Not counted in ClinVar's aggregate classification.
Comment: The BBS12 c.1261C>T variant is predicted to result in the amino acid substitution p.Arg421Cys. To our knowledge, this variant has not been reported in the literature. This variant is reported in 0.0062% of alleles in individuals of African descent in gnomAD. At this time, the clinical significance of this variant is uncertain due to the absence of conclusive functional and genetic evidence.